The following is an entry in ClinVar:

NM_000216.4(ANOS1):c.337A>C (p.Ser113Arg)

Gene: ANOS1 (anosmin 1; minus strand). Cytogenetic location: Xp22.31.
Variant type: single nucleotide variant.
Coding change: c.337A>C on transcript NM_000216.4 (MANE Select); coding-DNA position 337, A replaced by C.
Protein change: p.Ser113Arg; replaces serine 113 with arginine.
Molecular consequence: missense variant.
Genome position (GRCh38, 1-based): chrX:8,597,238, T>G on the plus strand (A>C on the coding strand, the complement: ANOS1 is on the minus strand). VCF-style: chrX-8597238-T-G. GRCh37 (hg19) VCF-style: chrX-8565279-T-G.
Other names: short protein forms S113R.
Identifiers: ClinVar variation 1029720 (VCV001029720.1), dbSNP rs1930756318, ClinGen allele CA412025386.

ClinVar aggregate classification (germline): Uncertain significance (1 of 4 stars; one submission).

Conditions:
Hypogonadotropic hypogonadism 1 with or without anosmia (HH1). Also called: HYPOGONADOTROPIC HYPOGONADISM 1 WITH ANOSMIA; KAL1-Related GnRH Deficiency (Kallmann Syndrome 1; Kallmann Syndrome, X-Linked); Hypogonadotropic hypogonadism 1 with or without anosmia (Kallmann syndrome 1); HYPOGONADOTROPIC HYPOGONADISM AND ANOSMIA; Kallmann syndrome, type 1, X-linked; DYSPLASIA OLFACTOGENITALIS OF DE MORSIER. Identifiers: Orphanet 478, MedGen C1563719, MONDO:0010635, OMIM 308700. Disease mechanism: loss of function.

Submission:

Baylor Genetics
Classification: Uncertain significance for Hypogonadotropic hypogonadism 1 with or without anosmia. Last evaluated: 2020-01-31. Review status: criteria provided, single submitter. Criteria: ACMG Guidelines, 2015. Collection method: clinical testing. Allele origin: unknown. Affected: yes.
Comment: This variant was determined to be of uncertain significance according to ACMG Guidelines, 2015 [PMID:25741868].